The following is an entry in ClinVar:

NM_001323289.2(CDKL5):c.524G>A (p.Arg175Lys)

Gene: CDKL5 (cyclin dependent kinase like 5; plus strand). Cytogenetic location: Xp22.13.
Variant type: single nucleotide variant.
Coding change: c.524G>A on transcript NM_001323289.2 (MANE Select); coding-DNA position 524, G replaced by A.
Protein change: p.Arg175Lys; replaces arginine 175 with lysine.
Molecular consequence: missense variant.
Genome position (GRCh38, 1-based): chrX:18,584,323, G>A. VCF-style: chrX-18584323-G-A. GRCh37 (hg19) VCF-style: chrX-18602443-G-A.
Other names: c.524G>A, p.Arg175Lys (NM_001037343.2, NM_003159.3); short protein forms R175K.
Identifiers: ClinVar variation 2942250 (VCV002942250.3), dbSNP rs1064794734, ClinGen allele CA412352455.

ClinVar aggregate classification (germline): Likely pathogenic (1 of 4 stars; one submission).

Conditions:
Developmental and epileptic encephalopathy, 2 (DEE2). Also called: INFANTILE SPASM SYNDROME, X-LINKED 2; CDKL5 deficiency disorder. Identifiers: Orphanet 1934, Orphanet 3451, Orphanet 505652, MedGen C4750718, MONDO:0010396, OMIM 300672.
Angelman syndrome-like. Identifiers: MedGen CN128785.

Submission:

Labcorp Genetics (formerly Invitae), Labcorp
Classification: Likely pathogenic for Developmental and epileptic encephalopathy, 2; Angelman syndrome-like. Last evaluated: 2022-12-12. Review status: criteria provided, single submitter. Criteria: Invitae Variant Classification Sherloc (09022015). Collection method: clinical testing. Allele origin: germline.
Comment: This sequence change replaces arginine, which is basic and polar, with lysine, which is basic and polar, at codon 175 of the CDKL5 protein (p.Arg175Lys). In summary, the currently available evidence indicates that the variant is pathogenic, but additional data are needed to prove that conclusively. Therefore, this variant has been classified as Likely Pathogenic. This variant disrupts the p.Arg175 amino acid residue in CDKL5. Other variant(s) that disrupt this residue have been determined to be pathogenic (PMID: 15499549, 22430159; Invitae). This suggests that this residue is clinically significant, and that variants that disrupt this residue are likely to be disease-causing. Advanced modeling of protein sequence and biophysical properties (such as structural, functional, and spatial information, amino acid conservation, physicochemical variation, residue mobility, and thermodynamic stability) performed at Invitae indicates that this missense variant is expected to disrupt CDKL5 protein function. This variant has not been reported in the literature in individuals affected with CDKL5-related conditions. This variant is not present in population databases (gnomAD no frequency).

Literature cited by the submitters: PubMed 15499549; PubMed 22430159.